The following is an entry in ClinVar:

NM_006206.6(PDGFRA):c.1514A>G (p.Asn505Ser)

Gene: PDGFRA (platelet derived growth factor receptor alpha; plus strand). Cytogenetic location: 4q12.
Variant type: single nucleotide variant.
Coding change: c.1514A>G on transcript NM_006206.6 (MANE Select); coding-DNA position 1514, A replaced by G.
Protein change: p.Asn505Ser; replaces asparagine 505 with serine.
Molecular consequence: missense variant.
Genome position (GRCh38, 1-based): chr4:54,273,686, A>G. VCF-style: chr4-54273686-A-G. GRCh37 (hg19) VCF-style: chr4-55139853-A-G.
Other names: c.1514A>G, p.Asn505Ser (NM_001347827.2, NM_001347829.2); c.1589A>G, p.Asn530Ser (NM_001347828.2); c.1553A>G, p.Asn518Ser (NM_001347830.2); short protein forms N518S, N505S, N530S.
Identifiers: ClinVar variation 968643 (VCV000968643.9), dbSNP rs1723542342, ClinGen allele CA356892723.

ClinVar aggregate classification (germline): Uncertain significance. Review status: criteria provided, multiple submitters, no conflicts (2 of 4 stars). 2 submissions from 2 submitters: Uncertain significance (2). Last evaluated 2025-03-08.

Conditions:
Gastrointestinal stromal tumor. Also called: Gastrointestinal stromal tumor, somatic; Gastrointestinal stroma tumor. Identifiers: Orphanet 44890, MedGen C0238198, MeSH D046152, MONDO:0011719, OMIM 606764, HP:0100723.
Hereditary cancer-predisposing syndrome. Also called: Neoplastic Syndromes, Hereditary; Hereditary Cancer Syndrome; Hereditary neoplastic syndrome; Tumor predisposition. Identifiers: Orphanet 140162, MedGen C0027672, MeSH D009386, MONDO:0015356.

gnomAD v4.1: 1 of 1,614,030 alleles (0.000062%); highest among the groups gnomAD compares: East Asian, 0.0022%; no homozygotes.

Submissions (2):

Ambry Genetics
Classification: Uncertain significance for Hereditary cancer-predisposing syndrome. Last evaluated: 2025-03-08. Review status: criteria provided, single submitter. Criteria: Ambry Variant Classification Scheme 2023. Collection method: clinical testing. Allele origin: germline.
Comment: The p.N505S variant (also known as c.1514A>G), located in coding exon 9 of the PDGFRA gene, results from an A to G substitution at nucleotide position 1514. The asparagine at codon 505 is replaced by serine, an amino acid with highly similar properties. This amino acid position is conserved. In addition, the in silico prediction for this alteration is inconclusive. Based on the available evidence, the clinical significance of this variant remains unclear.

Labcorp Genetics (formerly Invitae), Labcorp
Classification: Uncertain significance for Gastrointestinal stromal tumor. Last evaluated: 2021-12-02. Review status: criteria provided, single submitter. Criteria: Invitae Variant Classification Sherloc (09022015). Collection method: clinical testing. Allele origin: germline.
Comment: ClinVar contains an entry for this variant (Variation ID: 968643). This variant has not been reported in the literature in individuals affected with PDGFRA-related conditions. This variant is not present in population databases (gnomAD no frequency). This sequence change replaces asparagine, which is neutral and polar, with serine, which is neutral and polar, at codon 505 of the PDGFRA protein (p.Asn505Ser). In summary, the available evidence is currently insufficient to determine the role of this variant in disease. Therefore, it has been classified as a Variant of Uncertain Significance. Algorithms developed to predict the effect of missense changes on protein structure and function (SIFT, PolyPhen-2, Align-GVGD) all suggest that this variant is likely to be disruptive.